The following is an entry in ClinVar:

ClinVar aggregate classification (germline): Pathogenic. Review status: criteria provided, multiple submitters, no conflicts (2 of 4 stars). 3 submissions from 3 submitters: Pathogenic (2). 1 of the submissions does not count toward it. Last evaluated 2026-09-01.

Conditions:
Chédiak-Higashi syndrome (CHS). Also called: Chediak-Higashi Syndrome. Identifiers: Orphanet 167, MedGen C0007965, MONDO:0008963, OMIM 214500.

Submissions (3):

GeneDx
Classification: Pathogenic. Last evaluated: 2026-09-01. Review status: criteria provided, single submitter. Criteria: GeneDx Variant Classification Process June 2021. Collection method: clinical testing. Allele origin: germline.
Comment: Frameshift variant predicted to result in protein truncation or nonsense mediated decay in a gene for which loss of function is a known mechanism of disease; Reported with a second LYST variant in a patient with ChediakHigashi syndrome (CHS); parental testing was not completed to confirm whether the variants were on opposite alleles (in trans) (PMID: 15896657); Not observed at significant frequency in large population cohorts (gnomAD); This variant is associated with the following publications: (PMID: 15896657)

Labcorp Genetics (formerly Invitae), Labcorp
Classification: Pathogenic for Chédiak-Higashi syndrome. Last evaluated: 2024-04-14. Review status: criteria provided, single submitter. Criteria: Invitae Variant Classification Sherloc (09022015). Collection method: clinical testing. Allele origin: germline.
Comment: This sequence change creates a premature translational stop signal (p.Phe3298Serfs*7) in the LYST gene. It is expected to result in an absent or disrupted protein product. Loss-of-function variants in LYST are known to be pathogenic (PMID: 9215679, 11857544). This variant is present in population databases (rs80338668, gnomAD 0.01%). This premature translational stop signal has been observed in individual(s) with Chediak–Higashi syndrome (PMID: 15896657). ClinVar contains an entry for this variant (Variation ID: 65552). For these reasons, this variant has been classified as Pathogenic.

GeneReviews
No classification provided. Condition: Chédiak-Higashi syndrome. Review status: no classification provided. Collection method: literature only. Allele origin: germline. Not counted in ClinVar's aggregate classification.

Literature cited by the submitters: PubMed 9215679 (cited by Labcorp Genetics (formerly Invitae), Labcorp); PubMed 11857544 (cited by Labcorp Genetics (formerly Invitae), Labcorp); PubMed 15896657 (cited by Labcorp Genetics (formerly Invitae), Labcorp).

NM_000081.4(LYST):c.9893del (p.Phe3298fs)

Gene: LYST (lysosomal trafficking regulator; minus strand). Cytogenetic location: 1q42.3.
Variant type: Deletion.
Coding change: c.9893del on transcript NM_000081.4 (MANE Select); coding-DNA position 9893, one base deleted (T; older notation c.9893delT).
Protein change: p.Phe3298fs; shifts the reading frame from phenylalanine 3298.
Molecular consequence: frameshift variant.
Genome position (GRCh38, 1-based): chr1:235,712,089, A deleted on the plus strand (T on the coding strand, the reverse complement: LYST is on the minus strand); the first of 5 consecutive A bases (chr1:235,712,089-235,712,093); deleting any one gives the same sequence. VCF-style (leftmost placement, unchanged base first): chr1-235712088-GA-G. GRCh37 (hg19) VCF-style: chr1-235875388-GA-G.
Other names: c.9893del, p.Phe3298fs (NM_001301365.1); c.9893delT (NM_000081.2); c.9893del (NM_000081.2); short protein forms F3298fs.
Identifiers: ClinVar variation 65552 (VCV000065552.9), dbSNP rs80338668, ClinGen allele CA344883.
Genomic context (GRCh38, chr1:235,712,088, plus strand): 5'-TATAAATTAAAAATAATTTATTGCTATACCTTCACGGTTAACTAGGAACTCTGGAAGATA[GA>G]AAAACTCTGGGATAAGTTCTTTCACATCAGTCATAGATTCAAAAGATGAGAGTCGCCAAG-3'